The following is an entry in ClinVar:

NM_006236.3(POU3F3):c.573C>G (p.Ala191=)

Gene: POU3F3 (POU class 3 homeobox 3; plus strand). Cytogenetic location: 2q12.1.
Variant type: single nucleotide variant.
Coding change: c.573C>G on transcript NM_006236.3 (MANE Select); coding-DNA position 573, C replaced by G.
Protein change: p.Ala191=; no amino-acid change (alanine 191 retained).
Molecular consequence: synonymous variant.
Genome position (GRCh38, 1-based): chr2:104,856,083, C>G. VCF-style: chr2-104856083-C-G. GRCh37 (hg19) VCF-style: chr2-105472541-C-G.
Identifiers: ClinVar variation 3054188 (VCV003054188.2), dbSNP rs1363750134, ClinGen allele CA428207430.

ClinVar aggregate classification (germline): Likely benign (0 of 4 stars; one submission).

Conditions:
POU3F3-related disorder. Also called: POU3F3-related condition.

Allele frequency attached by ClinVar (database versions not stated): gnomAD 0.00014; gnomAD exomes 0.00012.
gnomAD v4.1: 126 of 1,024,706 alleles (0.012%); highest among the groups gnomAD compares: Admixed American, 0.024%; no homozygotes.

Submission:

PreventionGenetics, part of Exact Sciences
Classification: Likely benign for POU3F3-related condition. Last evaluated: 2021-04-23. Review status: no assertion criteria provided. Collection method: clinical testing. Allele origin: germline.
Comment: This variant is classified as likely benign based on ACMG/AMP sequence variant interpretation guidelines (Richards et al. 2015 PMID: 25741868, with internal and published modifications).